The following is an entry in ClinVar:

ClinVar aggregate classification (germline): Uncertain significance (1 of 4 stars; one submission).

Conditions:
Dilated cardiomyopathy 1G (CMD1G). Identifiers: Orphanet 154, MedGen C1858763, MONDO:0011400, OMIM 604145.
Autosomal recessive limb-girdle muscular dystrophy type 2J (LGMDR10). Also called: Limb-girdle muscular dystrophy, type 2J; MUSCULAR DYSTROPHY, LIMB-GIRDLE, AUTOSOMAL RECESSIVE 10. Identifiers: Orphanet 140922, MedGen C1837342, MONDO:0012127, OMIM 608807.

Allele frequency attached by ClinVar (database versions not stated): gnomAD exomes below 0.00001.
gnomAD v4.1: 3 of 1,613,900 alleles (0.00019%); highest among the groups gnomAD compares: Admixed American, 0.0017%; no homozygotes.

Submission:

Labcorp Genetics (formerly Invitae), Labcorp
Classification: Uncertain significance for Dilated cardiomyopathy 1G; Autosomal recessive limb-girdle muscular dystrophy type 2J. Last evaluated: 2025-09-08. Review status: criteria provided, single submitter. Criteria: Invitae Variant Classification Sherloc (09022015). Collection method: clinical testing. Allele origin: germline.
Comment: This sequence change replaces lysine, which is basic and polar, with asparagine, which is neutral and polar, at codon 31787 of the TTN protein (p.Lys31787Asn). This variant is present in population databases (no rsID available, gnomAD 0.003%). This variant has not been reported in the literature in individuals affected with TTN-related conditions. ClinVar contains an entry for this variant (Variation ID: 2925850). Experimental studies and prediction algorithms are not available or were not evaluated, and the functional significance of this variant is currently unknown. This variant is located in the A band of TTN (PMID: 25589632). Variants in this region may be relevant for cardiac or neuromuscular disorders (PMID: 25589632, 23975875). In summary, the available evidence is currently insufficient to determine the role of this variant in disease. Therefore, it has been classified as a Variant of Uncertain Significance.

Literature cited by the submitters: PubMed 25589632; PubMed 23975875.

NM_001267550.2(TTN):c.95361A>T (p.Lys31787Asn)

Genes: TTN (titin; minus strand), TTN-AS1 (TTN antisense RNA 1; plus strand). Cytogenetic location: 2q31.2.
Variant type: single nucleotide variant.
Coding change: c.95361A>T on transcript NM_001267550.2 (MANE Select); coding-DNA position 95361, A replaced by T.
Protein change: p.Lys31787Asn; replaces lysine 31787 with asparagine.
Molecular consequence: missense variant.
Genome position (GRCh38, 1-based): chr2:178,545,875, T>A on the plus strand (A>T on the coding strand, the complement: TTN is on the minus strand). VCF-style: chr2-178545875-T-A. GRCh37 (hg19) VCF-style: chr2-179410602-T-A.
Other names: c.90438A>T, p.Lys30146Asn (NM_001256850.1); c.68166A>T, p.Lys22722Asn (NM_003319.4); c.87657A>T, p.Lys29219Asn (NM_133378.4); c.68541A>T, p.Lys22847Asn (NM_133432.3); c.68742A>T, p.Lys22914Asn (NM_133437.4); short protein forms K30146N, K22847N, K22914N, K29219N, K22722N, K31787N.
Identifiers: ClinVar variation 2925850 (VCV002925850.3), dbSNP rs1225133278, ClinGen allele CA349462588.